The following is an entry in ClinVar:

NM_017849.4(TMEM127):c.490T>G (p.Tyr164Asp)

Gene: TMEM127 (transmembrane protein 127; minus strand). Cytogenetic location: 2q11.2.
Variant type: single nucleotide variant.
Coding change: c.490T>G on transcript NM_017849.4 (MANE Select); coding-DNA position 490, T replaced by G.
Protein change: p.Tyr164Asp; replaces tyrosine 164 with aspartic acid.
Molecular consequence: missense variant.
Genome position (GRCh38, 1-based): chr2:96,254,035, A>C on the plus strand (T>G on the coding strand, the complement: TMEM127 is on the minus strand). VCF-style: chr2-96254035-A-C. GRCh37 (hg19) VCF-style: chr2-96919773-A-C.
Other names: c.490T>G, p.Tyr164Asp (NM_001193304.3); c.238T>G, p.Tyr80Asp (NM_001407282.1, NM_001407283.1); short protein forms Y164D, Y80D.
Identifiers: ClinVar variation 3227080 (VCV003227080.1), dbSNP rs1553436892, ClinGen allele CA347652760.

ClinVar aggregate classification (germline): Uncertain significance (1 of 4 stars; one submission).

Conditions:
Hereditary cancer-predisposing syndrome. Also called: Neoplastic Syndromes, Hereditary; Tumor predisposition; Hereditary neoplastic syndrome; Hereditary Cancer Syndrome. Identifiers: Orphanet 140162, MedGen C0027672, MeSH D009386, MONDO:0015356.

Submission:

Ambry Genetics
Classification: Uncertain significance for Hereditary cancer-predisposing syndrome. Last evaluated: 2024-02-24. Review status: criteria provided, single submitter. Criteria: Ambry Variant Classification Scheme 2023. Collection method: clinical testing. Allele origin: germline.
Comment: The p.Y164D variant (also known as c.490T>G), located in coding exon 3 of the TMEM127 gene, results from a T to G substitution at nucleotide position 490. The tyrosine at codon 164 is replaced by aspartic acid, an amino acid with highly dissimilar properties. This amino acid position is conserved. In addition, this alteration is predicted to be deleterious by in silico analysis. Based on the available evidence, the clinical significance of this alteration remains unclear.